The following is an entry in ClinVar:

ClinVar aggregate classification (germline): Uncertain significance. Review status: criteria provided, multiple submitters, no conflicts (2 of 4 stars). 4 submissions from 4 submitters: Uncertain significance (4). Last evaluated 2026-03-01.

Conditions:
Hereditary cancer-predisposing syndrome. Also called: Hereditary neoplastic syndrome; Neoplastic Syndromes, Hereditary; Tumor predisposition; Hereditary Cancer Syndrome. Identifiers: Orphanet 140162, MedGen C0027672, MeSH D009386, MONDO:0015356.
Isolated focal cortical dysplasia type II (FCORD2). Also called: CORTICAL DYSPLASIA OF TAYLOR; Focal cortical dysplasia type II. Identifiers: Orphanet 268994, MedGen C1846385, MONDO:0011818, OMIM 607341, HP:0032051.
Tuberous sclerosis 1 (TSC1). Identifiers: Orphanet 805, MedGen C1854465, MONDO:0008612, OMIM 191100.

Submissions (4):

CeGaT Center for Human Genetics Tuebingen
Classification: Uncertain significance. Last evaluated: 2026-03-01. Review status: criteria provided, single submitter. Criteria: CeGaT Center For Human Genetics Tuebingen Variant Classification Criteria Version 2. Collection method: clinical testing. Allele origin: germline. Affected: yes. Observed: 1 variant allele.
Comment: TSC1: PM2, PP2

Labcorp Genetics (formerly Invitae), Labcorp
Classification: Uncertain significance for Tuberous sclerosis 1. Last evaluated: 2025-08-06. Review status: criteria provided, single submitter. Criteria: Invitae Variant Classification Sherloc (09022015). Collection method: clinical testing. Allele origin: germline.
Comment: This sequence change replaces proline, which is neutral and non-polar, with alanine, which is neutral and non-polar, at codon 266 of the TSC1 protein (p.Pro266Ala). This variant is not present in population databases (gnomAD no frequency). This variant has not been reported in the literature in individuals affected with TSC1-related conditions. ClinVar contains an entry for this variant (Variation ID: 2679311). Invitae Evidence Modeling of protein sequence and biophysical properties (such as structural, functional, and spatial information, amino acid conservation, physicochemical variation, residue mobility, and thermodynamic stability) indicates that this missense variant is not expected to disrupt TSC1 protein function with a negative predictive value of 95%. In summary, the available evidence is currently insufficient to determine the role of this variant in disease. Therefore, it has been classified as a Variant of Uncertain Significance.

Ambry Genetics
Classification: Uncertain significance for Hereditary cancer-predisposing syndrome. Last evaluated: 2025-06-30. Review status: criteria provided, single submitter. Criteria: Ambry Variant Classification Scheme 2023. Collection method: clinical testing. Allele origin: germline.
Comment: The p.P266A variant (also known as c.796C>G), located in coding exon 7 of the TSC1 gene, results from a C to G substitution at nucleotide position 796. The proline at codon 266 is replaced by alanine, an amino acid with highly similar properties. This amino acid position is conserved. In addition, this alteration is predicted to be deleterious by in silico analysis. Based on the available evidence, the clinical significance of this variant remains unclear.

Baylor Genetics
Classification: Uncertain significance for Isolated focal cortical dysplasia type II. Last evaluated: 2023-06-29. Review status: criteria provided, single submitter. Criteria: ACMG Guidelines, 2015. Collection method: clinical testing. Allele origin: unknown.

NM_000368.5(TSC1):c.796C>G (p.Pro266Ala)

Gene: TSC1 (TSC complex subunit 1; minus strand). Cytogenetic location: 9q34.13.
Variant type: single nucleotide variant.
Coding change: c.796C>G on transcript NM_000368.5 (MANE Select); coding-DNA position 796, C replaced by G.
Protein change: p.Pro266Ala; replaces proline 266 with alanine.
Molecular consequence: missense variant. On other transcripts: 5 prime UTR variant (5), non-coding transcript variant (5).
Genome position (GRCh38, 1-based): chr9:132,912,399, G>C on the plus strand (C>G on the coding strand, the complement: TSC1 is on the minus strand). VCF-style: chr9-132912399-G-C. GRCh37 (hg19) VCF-style: chr9-135787786-G-C.
Other names: c.796C>G, p.Pro266Ala (NM_001162426.2, NM_001406592.1, NM_001406593.1 and 16 more transcripts); c.643C>G, p.Pro215Ala (NM_001162427.2, NM_001406610.1, NM_001406611.1 and 2 more transcripts); c.433C>G, p.Pro145Ala (NM_001362177.2, NM_001406615.1, NM_001406616.1 and 10 more transcripts); c.-156C>G (NM_001406626.1, NM_001406627.1, NM_001406628.1); c.-298C>G (NM_001406629.1, NM_001406630.1); short protein forms P145A, P215A, P266A.
Identifiers: ClinVar variation 2679311 (VCV002679311.8), dbSNP rs867279664, ClinGen allele CA375369496.